The following is an entry in ClinVar:

ClinVar aggregate classification (germline): Uncertain significance. Review status: criteria provided, multiple submitters, no conflicts (2 of 4 stars). 2 submissions from 2 submitters: Uncertain significance (2). Last evaluated 2025-06-11.

Conditions:
Cardiomyopathy (CMYO). Also called: Cardiomyopathies. Identifiers: Orphanet 167848, MedGen C0878544, MONDO:0004994, HP:0001638. Inheritance: Various modes of inheritance.
Catecholaminergic polymorphic ventricular tachycardia 1. Also called: RYR2-Related Catecholaminergic Polymorphic Ventricular Tachycardia; VENTRICULAR TACHYCARDIA, CATECHOLAMINERGIC POLYMORPHIC, 1, WITH OR WITHOUT ATRIAL DYSFUNCTION AND/OR DILATED CARDIOMYOPATHY; VENTRICULAR TACHYCARDIA, STRESS-INDUCED POLYMORPHIC 1. Identifiers: Orphanet 3286, MedGen C1631597, MONDO:0011484, OMIM 604772.

Allele frequency attached by ClinVar (database versions not stated): gnomAD exomes below 0.00001; TOPMed below 0.00001; gnomAD 0.00001.
gnomAD v4.1: 2 of 1,613,718 alleles (0.00012%); highest among the groups gnomAD compares: East Asian, 0.0022%; no homozygotes.

Submissions (2):

Labcorp Genetics (formerly Invitae), Labcorp
Classification: Uncertain significance for Catecholaminergic polymorphic ventricular tachycardia 1. Last evaluated: 2025-06-11. Review status: criteria provided, single submitter. Criteria: Invitae Variant Classification Sherloc (09022015). Collection method: clinical testing. Allele origin: germline.
Comment: This sequence change replaces alanine, which is neutral and non-polar, with threonine, which is neutral and polar, at codon 1873 of the RYR2 protein (p.Ala1873Thr). This variant is not present in population databases (gnomAD no frequency). This variant has not been reported in the literature in individuals affected with RYR2-related conditions. ClinVar contains an entry for this variant (Variation ID: 628666). Invitae Evidence Modeling of protein sequence and biophysical properties (such as structural, functional, and spatial information, amino acid conservation, physicochemical variation, residue mobility, and thermodynamic stability) indicates that this missense variant is not expected to disrupt RYR2 protein function with a negative predictive value of 95%. In summary, the available evidence is currently insufficient to determine the role of this variant in disease. Therefore, it has been classified as a Variant of Uncertain Significance.

Color Diagnostics, LLC DBA Color Health
Classification: Uncertain significance for Cardiomyopathy. Last evaluated: 2024-03-06. Review status: criteria provided, single submitter. Criteria: ACMG Guidelines, 2015. Collection method: clinical testing. Allele origin: germline.
Comment: This missense variant replaces alanine with threonine at codon 1873 of the RYR2 protein. Computational prediction suggests that this variant may not impact protein structure and function (internally defined REVEL score threshold <= 0.5, PMID: 27666373). Splice site prediction tools suggest that this variant may not impact RNA splicing. To our knowledge, functional studies have not been reported for this variant. This variant has not been reported in individuals affected with cardiovascular disorders in the literature. This variant has not been identified in the general population by the Genome Aggregation Database (gnomAD). The available evidence is insufficient to determine the role of this variant in disease conclusively. Therefore, this variant is classified as a Variant of Uncertain Significance.

NM_001035.3(RYR2):c.5617G>A (p.Ala1873Thr)

Gene: RYR2 (ryanodine receptor 2; plus strand). Cytogenetic location: 1q43.
Variant type: single nucleotide variant.
Coding change: c.5617G>A on transcript NM_001035.3 (MANE Select); coding-DNA position 5617, G replaced by A.
Protein change: p.Ala1873Thr; replaces alanine 1873 with threonine.
Molecular consequence: missense variant.
Genome position (GRCh38, 1-based): chr1:237,614,745, G>A. VCF-style: chr1-237614745-G-A. GRCh37 (hg19) VCF-style: chr1-237778045-G-A.
Other names: c.5617G>A, p.Ala1873Thr (LRG_402t1); short protein forms A1873T.
Identifiers: ClinVar variation 628666 (VCV000628666.6), dbSNP rs1312516879, ClinGen allele CA074213.